The following is an entry in ClinVar:

ClinVar aggregate classification (germline): Uncertain significance (1 of 4 stars; one submission).

Submission:

Labcorp Genetics (formerly Invitae), Labcorp
Classification: Uncertain significance. Last evaluated: 2022-07-06. Review status: criteria provided, single submitter. Criteria: Invitae Variant Classification Sherloc (09022015). Collection method: clinical testing. Allele origin: germline.
Comment: In summary, the available evidence is currently insufficient to determine the role of this variant in disease. Therefore, it has been classified as a Variant of Uncertain Significance. Algorithms developed to predict the effect of missense changes on protein structure and function are either unavailable or do not agree on the potential impact of this missense change (SIFT: "Not Available"; PolyPhen-2: "Probably Damaging"; Align-GVGD: "Not Available"). This variant has not been reported in the literature in individuals affected with UNC45A-related conditions. This variant is not present in population databases (gnomAD no frequency). This sequence change replaces aspartic acid, which is acidic and polar, with valine, which is neutral and non-polar, at codon 381 of the UNC45A protein (p.Asp381Val).

NM_018671.5(UNC45A):c.1142A>T (p.Asp381Val)

Gene: UNC45A (unc-45 myosin chaperone A; plus strand). Cytogenetic location: 15q26.1.
Variant type: single nucleotide variant.
Coding change: c.1142A>T on transcript NM_018671.5 (MANE Select); coding-DNA position 1142, A replaced by T.
Protein change: p.Asp381Val; replaces aspartic acid 381 with valine.
Molecular consequence: missense variant.
Genome position (GRCh38, 1-based): chr15:90,945,006, A>T. VCF-style: chr15-90945006-A-T. GRCh37 (hg19) VCF-style: chr15-91488236-A-T.
Other names: c.1097A>T, p.Asp366Val (NM_001039675.2, NM_001323621.2); c.1142A>T, p.Asp381Val (NM_001323619.1); c.707A>T, p.Asp236Val (NM_001323620.2); short protein forms D381V, D236V, D366V.
Identifiers: ClinVar variation 2158240 (VCV002158240.4), dbSNP rs901065152, ClinGen allele CA274745461.
Genomic context (GRCh38, chr15:90,945,006, plus strand): 5'-TCGCAGTGACCGCAAACAGCCGCATGAGCGCCTCTATTCTCCTCAGCAAGCTCTTTGATG[A>T]CCTCAAGTGTGATGCGGAGAGGGAGAATTTCCACAGACTTTGTGAAAACTACATCAAGTA-3'
Protein context (NP_061141.2, residues 371-391): ASILLSKLFD[Asp381Val]LKCDAERENF